The following is an entry in ClinVar:

ClinVar aggregate classification (germline): Likely pathogenic. Review status: criteria provided, single submitter (1 of 4 stars). 2 submissions from 2 submitters: Likely pathogenic (1). 1 of the submissions does not count toward it. Last evaluated 2024-09-15.

Conditions:
Charcot-Marie-Tooth disease. Also called: Charcot-Marie-Tooth Hereditary Neuropathy; Charcot-Marie-Tooth Neuropathy. Identifiers: Orphanet 166, MedGen C0007959, MONDO:0015626.
Charcot-Marie-Tooth disease, type I (CMT1). Also called: Charcot-Marie-Tooth disease type 1; Charcot-Marie-Tooth, Type 1. Identifiers: Orphanet 65753, MedGen C0751036, MONDO:0019011.

Submissions (2):

Labcorp Genetics (formerly Invitae), Labcorp
Classification: Likely pathogenic for Charcot-Marie-Tooth disease, type I. Last evaluated: 2024-09-15. Review status: criteria provided, single submitter. Criteria: Invitae Variant Classification Sherloc (09022015). Collection method: clinical testing. Allele origin: germline.
Comment: This sequence change replaces methionine, which is neutral and non-polar, with arginine, which is basic and polar, at codon 69 of the PMP22 protein (p.Met69Arg). This variant is not present in population databases (gnomAD no frequency). This missense change has been observed in individual(s) with Charcot-Marie-Tooth disease (PMID: 21194947, 34255403). ClinVar contains an entry for this variant (Variation ID: 637834). Invitae Evidence Modeling of protein sequence and biophysical properties (such as structural, functional, and spatial information, amino acid conservation, physicochemical variation, residue mobility, and thermodynamic stability) indicates that this missense variant is expected to disrupt PMP22 protein function with a positive predictive value of 95%. This variant disrupts the p.Met69 amino acid residue in PMP22. Other variant(s) that disrupt this residue have been determined to be pathogenic (PMID: 8275092, 26102530). This suggests that this residue is clinically significant, and that variants that disrupt this residue are likely to be disease-causing. In summary, the currently available evidence indicates that the variant is pathogenic, but additional data are needed to prove that conclusively. Therefore, this variant has been classified as Likely Pathogenic.

Inherited Neuropathy Consortium
Classification: Uncertain significance for Charcot-Marie-Tooth disease. Review status: no assertion criteria provided. Collection method: literature only. Allele origin: germline. Affected: yes. Not counted in ClinVar's aggregate classification.

Literature cited by the submitters: PubMed 21194947 (cited by Labcorp Genetics (formerly Invitae), Labcorp and Inherited Neuropathy Consortium); PubMed 34255403 (cited by Labcorp Genetics (formerly Invitae), Labcorp); PubMed 8275092 (cited by Labcorp Genetics (formerly Invitae), Labcorp); PubMed 26102530 (cited by Labcorp Genetics (formerly Invitae), Labcorp).

NM_000304.4(PMP22):c.206T>G (p.Met69Arg)

Gene: PMP22 (peripheral myelin protein 22; minus strand). Cytogenetic location: 17p12.
Variant type: single nucleotide variant.
Coding change: c.206T>G on transcript NM_000304.4 (MANE Select); coding-DNA position 206, T replaced by G.
Protein change: p.Met69Arg; replaces methionine 69 with arginine.
Molecular consequence: missense variant. On other transcripts: non-coding transcript variant (2).
Genome position (GRCh38, 1-based): chr17:15,239,584, A>C on the plus strand (T>G on the coding strand, the complement: PMP22 is on the minus strand). VCF-style: chr17-15239584-A-C. GRCh37 (hg19) VCF-style: chr17-15142901-A-C.
Other names: c.206T>G, p.Met69Arg (NM_001281455.2, NM_001281456.2, NM_001330143.2 and 2 more transcripts); short protein forms M69R.
Identifiers: ClinVar variation 637834 (VCV000637834.3), dbSNP rs104894620, ClinGen allele CA398268285.